The following is an entry in ClinVar:

NM_001375765.1(GIGYF1):c.596G>T (p.Arg199Leu)

Gene: GIGYF1 (GRB10 interacting GYF protein 1; minus strand). Cytogenetic location: 7q22.1.
Variant type: single nucleotide variant.
Coding change: c.596G>T on transcript NM_001375765.1 (MANE Select); coding-DNA position 596, G replaced by T.
Protein change: p.Arg199Leu; replaces arginine 199 with leucine.
Molecular consequence: missense variant. On other transcripts: non-coding transcript variant (1).
Genome position (GRCh38, 1-based): chr7:100,686,747, C>A on the plus strand (G>T on the coding strand, the complement: GIGYF1 is on the minus strand). VCF-style: chr7-100686747-C-A. GRCh37 (hg19) VCF-style: chr7-100284370-C-A.
Other names: c.596G>T, p.Arg199Leu (NM_001375759.1, NM_001375760.1, NM_001375761.1 and 6 more transcripts); short protein forms R199L.
Identifiers: ClinVar variation 4885002 (VCV004885002.2).

ClinVar aggregate classification (germline): Uncertain significance (1 of 4 stars; one submission).

Submission:

Dasa
Classification: Uncertain significance. Last evaluated: 2026-04-24. Review status: criteria provided, single submitter. Criteria: DASA Assertion Criteria. Collection method: clinical testing. Allele origin: germline.
Comment: NM_001375765.1(GIGYF1):c.596G>T (p.Arg199Leu) is a missense variant that results in the substitution of arginine with leucine. Published studies describe this variant in association with related phenotype (PMID: 35917186). Also, this variant is absent from population databases. Computational prediction algorithms are consistent with a deleterious effect. The currently available literature and clinical evidence are not sufficient to establish a definitive association between this variant and the reported condition. Therefore, this variant is classified as a variant of uncertain significance.

Literature cited by the submitters: PubMed 35917186.